The following is an entry in ClinVar:

ClinVar aggregate classification (germline): Pathogenic. Review status: criteria provided, multiple submitters, no conflicts (2 of 4 stars). 3 submissions from 3 submitters: Pathogenic (3). Last evaluated 2025-01-23.

Conditions:
Hereditary spastic paraplegia 11. Also called: SPASTIC PARAPLEGIA, AUTOSOMAL RECESSIVE, COMPLICATED, WITH THIN CORPUS CALLOSUM; SPASTIC PARAPLEGIA, AUTOSOMAL RECESSIVE, WITH MENTAL IMPAIRMENT AND THIN CORPUS CALLOSUM; Nakamura Osame syndrome; Autosomal recessive hereditary spastic paraplegia, mental impairment, and thin corpus callosum; Spastic paraplegia, mental retardation and thin corpus callosum; Spastic Paraplegia 11. Identifiers: Orphanet 2822, MedGen C1858479, MONDO:0011445, OMIM 604360.

Allele frequency attached by ClinVar (database versions not stated): gnomAD exomes below 0.00001 and 0.00001; TOPMed 0.00001.

Submissions (3):

Labcorp Genetics (formerly Invitae), Labcorp
Classification: Pathogenic for Hereditary spastic paraplegia 11. Last evaluated: 2025-01-23. Review status: criteria provided, single submitter. Criteria: Invitae Variant Classification Sherloc (09022015). Collection method: clinical testing. Allele origin: germline.
Comment: This sequence change creates a premature translational stop signal (p.Asp1370Valfs*19) in the SPG11 gene. It is expected to result in an absent or disrupted protein product. Loss-of-function variants in SPG11 are known to be pathogenic (PMID: 19105190, 20110243, 22154821, 26556829). This variant is present in population databases (no rsID available, gnomAD 0.002%). This variant has not been reported in the literature in individuals affected with SPG11-related conditions. ClinVar contains an entry for this variant (Variation ID: 1070626). For these reasons, this variant has been classified as Pathogenic.

Athena Diagnostics
Classification: Pathogenic. Last evaluated: 2020-09-25. Review status: criteria provided, single submitter. Criteria: Athena Diagnostics Criteria. Collection method: clinical testing. Allele origin: unknown.
Comment: This variant is expected to result in the loss of a functional protein. The frequency of this variant in the general population is consistent with pathogenicity. This variant has been identified in at least one individual tested at Athena Diagnostics with clinical features associated with this gene.

Genome-Nilou Lab
Classification: Pathogenic for Hereditary spastic paraplegia 11. Review status: criteria provided, single submitter. Criteria: ACMG Guidelines, 2015. Collection method: clinical testing. Allele origin: germline.

Literature cited by the submitters: PubMed 19105190 (cited by Labcorp Genetics (formerly Invitae), Labcorp); PubMed 20110243 (cited by Labcorp Genetics (formerly Invitae), Labcorp); PubMed 22154821 (cited by Labcorp Genetics (formerly Invitae), Labcorp); PubMed 26556829 (cited by Labcorp Genetics (formerly Invitae), Labcorp).

NM_025137.4(SPG11):c.4109del (p.Asp1370fs)

Gene: SPG11 (SPG11 vesicle trafficking associated, spatacsin; minus strand). Cytogenetic location: 15q21.1.
Variant type: Deletion.
Coding change: c.4109del on transcript NM_025137.4 (MANE Select); coding-DNA position 4109, one base deleted (A; older notation c.4109delA).
Protein change: p.Asp1370fs; shifts the reading frame from aspartic acid 1370.
Molecular consequence: frameshift variant.
Genome position (GRCh38, 1-based): chr15:44,596,836, T deleted on the plus strand (A on the coding strand, the reverse complement: SPG11 is on the minus strand). VCF-style (leftmost placement, unchanged base first): chr15-44596835-AT-A. GRCh37 (hg19) VCF-style: chr15-44889033-AT-A.
Other names: c.4109del, p.Asp1370fs (NM_001160227.2); short protein forms D1370fs.
Identifiers: ClinVar variation 1070626 (VCV001070626.9), dbSNP rs1259332141, ClinGen allele CA618006125.